The following is an entry in ClinVar:

ClinVar aggregate classification (germline): Uncertain significance (1 of 4 stars; one submission).

Conditions:
Emery-Dreifuss muscular dystrophy 5, autosomal dominant (EDMD5). Also called: EMERY-DREIFUSS MUSCULAR DYSTROPHY 5. Identifiers: Orphanet 261, MedGen C2751805, MONDO:0013072, OMIM 612999.

Allele frequency attached by ClinVar (database versions not stated): TOPMed 0.00002.

Submission:

Labcorp Genetics (formerly Invitae), Labcorp
Classification: Uncertain significance for Emery-Dreifuss muscular dystrophy 5, autosomal dominant. Last evaluated: 2024-11-04. Review status: criteria provided, single submitter. Criteria: Invitae Variant Classification Sherloc (09022015). Collection method: clinical testing. Allele origin: germline.
Comment: This sequence change replaces alanine, which is neutral and non-polar, with proline, which is neutral and non-polar, at codon 4219 of the SYNE2 protein (p.Ala4219Pro). This variant is not present in population databases (gnomAD no frequency). This variant has not been reported in the literature in individuals affected with SYNE2-related conditions. ClinVar contains an entry for this variant (Variation ID: 470924). An algorithm developed to predict the effect of missense changes on protein structure and function (PolyPhen-2) suggests that this variant is likely to be tolerated. In summary, the available evidence is currently insufficient to determine the role of this variant in disease. Therefore, it has been classified as a Variant of Uncertain Significance.

NM_182914.3(SYNE2):c.12655G>C (p.Ala4219Pro)

Gene: SYNE2 (spectrin repeat containing nuclear envelope protein 2; plus strand). Cytogenetic location: 14q23.2.
Variant type: single nucleotide variant.
Coding change: c.12655G>C on transcript NM_182914.3 (MANE Select); coding-DNA position 12655, G replaced by C.
Protein change: p.Ala4219Pro; replaces alanine 4219 with proline.
Molecular consequence: missense variant.
Genome position (GRCh38, 1-based): chr14:64,113,386, G>C. VCF-style: chr14-64113386-G-C. GRCh37 (hg19) VCF-style: chr14-64580104-G-C.
Other names: c.12655G>C, p.Ala4219Pro (NM_015180.6); short protein forms A4219P.
Identifiers: ClinVar variation 470924 (VCV000470924.8), dbSNP rs138644399, ClinGen allele CA261835572.